The following is an entry in ClinVar:

ClinVar aggregate classification (germline): Uncertain significance (1 of 4 stars; one submission).

Submission:

Labcorp Genetics (formerly Invitae), Labcorp
Classification: Uncertain significance. Last evaluated: 2025-01-23. Review status: criteria provided, single submitter. Criteria: Invitae Variant Classification Sherloc (09022015). Collection method: clinical testing. Allele origin: germline.
Comment: This sequence change creates a premature translational stop signal (p.Tyr3965*) in the HMCN1 gene. It is expected to result in an absent or disrupted protein product. However, the current clinical and genetic evidence is not sufficient to establish whether loss-of-function variants in HMCN1 cause disease. This variant is not present in population databases (gnomAD no frequency). This variant has not been reported in the literature in individuals affected with HMCN1-related conditions. In summary, the available evidence is currently insufficient to determine the role of this variant in disease. Therefore, it has been classified as a Variant of Uncertain Significance.

NM_031935.3(HMCN1):c.11895C>A (p.Tyr3965Ter)

Gene: HMCN1 (hemicentin 1; plus strand). Cytogenetic location: 1q31.1.
Variant type: single nucleotide variant.
Coding change: c.11895C>A on transcript NM_031935.3 (MANE Select); coding-DNA position 11895, C replaced by A.
Protein change: p.Tyr3965Ter; replaces tyrosine 3965 with a stop codon.
Molecular consequence: nonsense.
Genome position (GRCh38, 1-based): chr1:186,119,237, C>A. VCF-style: chr1-186119237-C-A. GRCh37 (hg19) VCF-style: chr1-186088369-C-A.
Other names: short protein forms Y3965*.
Identifiers: ClinVar variation 3698424 (VCV003698424.2).
Genomic context (GRCh38, chr1:186,119,237, plus strand): 5'-TTTTTCATTTTTAGGAGCAATTGAAATACTTGCCACCCAATTAAACCATGCTGGAAGATA[C>A]ACTTGTGTCGCTAGGAATGCGGCTGGCTCTGCACATCGACACGTGACCCTTCATGTTCAT-3'